The following is an entry in ClinVar:

ClinVar aggregate classification (germline): Uncertain significance (1 of 4 stars; one submission).

gnomAD v4.1: 1 of 1,490,736 alleles (0.000067%); highest among the groups gnomAD compares: Non-Finnish European, 0.00009%; no homozygotes.

Submission:

GeneDx
Classification: Uncertain significance. Last evaluated: 2024-03-06. Review status: criteria provided, single submitter. Criteria: GeneDx Variant Classification Process June 2021. Collection method: clinical testing. Allele origin: germline. Affected: yes.
Comment: Not observed at significant frequency in large population cohorts (gnomAD); In silico analysis supports that this missense variant does not alter protein structure/function; In silico analysis is inconclusive as to whether the variant alters gene splicing. In the absence of RNA/functional studies, the actual effect of this sequence change is unknown.; Has not been previously published as pathogenic or benign to our knowledge

NM_001129820.2(SLFN14):c.1103C>T (p.Ser368Leu)

Genes: SLFN14 (schlafen family member 14; minus strand), LOC107985033 (uncharacterized LOC107985033; plus strand). Cytogenetic location: 17q12.
Variant type: single nucleotide variant.
Coding change: c.1103C>T on transcript NM_001129820.2 (MANE Select); coding-DNA position 1103, C replaced by T.
Protein change: p.Ser368Leu; replaces serine 368 with leucine.
Molecular consequence: missense variant. On other transcripts: non-coding transcript variant (2).
Genome position (GRCh38, 1-based): chr17:35,554,662, G>A on the plus strand (C>T on the coding strand, the complement: SLFN14 is on the minus strand). VCF-style: chr17-35554662-G-A. GRCh37 (hg19) VCF-style: chr17-33881681-G-A.
Other names: short protein forms S368L.
Identifiers: ClinVar variation 3373748 (VCV003373748.1).